The following is an entry in ClinVar:

NM_198253.3(TERT):c.191C>T (p.Pro64Leu)

Genes: TERT (telomerase reverse transcriptase; minus strand), LOC110806263 (TERT 5' regulatory region; plus strand). Cytogenetic location: 5p15.33.
Variant type: single nucleotide variant.
Coding change: c.191C>T on transcript NM_198253.3 (MANE Select); coding-DNA position 191, C replaced by T.
Protein change: p.Pro64Leu; replaces proline 64 with leucine.
Molecular consequence: missense variant. On other transcripts: non-coding transcript variant (2).
Genome position (GRCh38, 1-based): chr5:1,294,799, G>A on the plus strand (C>T on the coding strand, the complement: TERT is on the minus strand). VCF-style: chr5-1294799-G-A. GRCh37 (hg19) VCF-style: chr5-1294914-G-A.
Other names: c.191C>T, p.Pro64Leu (NM_001193376.3); short protein forms P64L.
Identifiers: ClinVar variation 960689 (VCV000960689.11), dbSNP rs1751286367, ClinGen allele CA359058856.

ClinVar aggregate classification (germline): Uncertain significance. Review status: criteria provided, multiple submitters, no conflicts (2 of 4 stars). 2 submissions from 2 submitters: Uncertain significance (2). Last evaluated 2026-08-08.

Conditions:
Idiopathic Pulmonary Fibrosis. Also called: Idiopathic fibrosing alveolitis, chronic form; idiopathic fibrosing alveolitis. Identifiers: Orphanet 2032, MedGen C1800706, MeSH D054990, MONDO:0800504.
Dyskeratosis congenita, autosomal dominant 2. Identifiers: MedGen C3151443, MONDO:0013521, OMIM 613989.
Dyskeratosis congenita. Identifiers: Orphanet 1775, MedGen C0265965, MONDO:0015780.

Submissions (2):

Ambry Genetics
Classification: Uncertain significance for Dyskeratosis congenita. Last evaluated: 2026-08-08. Review status: criteria provided, single submitter. Criteria: Ambry Variant Classification Scheme 2023. Collection method: clinical testing. Allele origin: germline.
Comment: The p.P64L variant (also known as c.191C>T), located in coding exon 1 of the TERT gene, results from a C to T substitution at nucleotide position 191. The proline at codon 64 is replaced by leucine, an amino acid with similar properties. This amino acid position is conserved. In addition, this alteration is predicted to be tolerated by in silico analysis. Based on the available evidence, the clinical significance of this variant remains unclear.

Labcorp Genetics (formerly Invitae), Labcorp
Classification: Uncertain significance for Dyskeratosis congenita, autosomal dominant 2; Idiopathic Pulmonary Fibrosis. Last evaluated: 2019-09-06. Review status: criteria provided, single submitter. Criteria: Invitae Variant Classification Sherloc (09022015). Collection method: clinical testing. Allele origin: germline.
Comment: This sequence change replaces proline with leucine at codon 64 of the TERT protein (p.Pro64Leu). The proline residue is weakly conserved and there is a moderate physicochemical difference between proline and leucine. The frequency data for this variant in the population databases is considered unreliable, as metrics indicate insufficient coverage at this position in the ExAC database. In summary, the available evidence is currently insufficient to determine the role of this variant in disease. Therefore, it has been classified as a Variant of Uncertain Significance. Algorithms developed to predict the effect of missense changes on protein structure and function are either unavailable or do not agree on the potential impact of this missense change (SIFT: "Tolerated"; PolyPhen-2: "Possibly Damaging"; Align-GVGD: "Class C0"). This variant has not been reported in the literature in individuals with TERT-related conditions.